The following is an entry in ClinVar:

NM_004415.4(DSP):c.596G>A (p.Arg199Lys)

Gene: DSP (desmoplakin; plus strand). Cytogenetic location: 6p24.3.
Variant type: single nucleotide variant.
Coding change: c.596G>A on transcript NM_004415.4 (MANE Select); coding-DNA position 596, G replaced by A.
Protein change: p.Arg199Lys; replaces arginine 199 with lysine.
Molecular consequence: missense variant.
Genome position (GRCh38, 1-based): chr6:7,559,399, G>A. VCF-style: chr6-7559399-G-A. GRCh37 (hg19) VCF-style: chr6-7559632-G-A.
Other names: c.596G>A, p.Arg199Lys (NM_001008844.3, NM_001319034.2); c.596G>A (NM_004415.3); short protein forms R199K.
Identifiers: ClinVar variation 504526 (VCV000504526.25), dbSNP rs143648545, ClinGen allele CA046199.

ClinVar aggregate classification (germline): Conflicting classifications of pathogenicity. Review status: criteria provided, conflicting classifications (1 of 4 stars). 8 submissions from 8 submitters: Uncertain significance (7); Likely benign (1). Last evaluated 2026-09-18.

Conditions:
DSP-related disorder. Also called: DSP-related condition; DSP-related disorders.
Arrhythmogenic right ventricular dysplasia 8 (ARVD8). Also called: Arrhythmogenic Right Ventricular Dysplasia/Cardiomyopathy 8; ARRHYTHMOGENIC RIGHT VENTRICULAR DYSPLASIA, FAMILIAL, 8; ARRHYTHMOGENIC RIGHT VENTRICULAR CARDIOMYOPATHY 8. Identifiers: MedGen C1843896, MONDO:0011831, OMIM 607450.
Arrhythmogenic cardiomyopathy with wooly hair and keratoderma. Also called: PALMOPLANTAR KERATODERMA WITH LEFT VENTRICULAR CARDIOMYOPATHY AND WOOLLY HAIR; Carvajal syndrome; Dilated cardiomyopathy with woolly hair and keratoderma; Arrhythmogenic cardiomyopathy with woolly hair and keratoderma. Identifiers: Orphanet 65282, MedGen C1854063, MONDO:0011581, OMIM 605676.
Cardiomyopathy (CMYO). Also called: Cardiomyopathies. Identifiers: Orphanet 167848, MedGen C0878544, MONDO:0004994, HP:0001638. Inheritance: Various modes of inheritance.
Cardiovascular phenotype. Identifiers: MedGen CN230736.

Allele frequency attached by ClinVar (database versions not stated): gnomAD 0.00005 and 0.00004; TOPMed 0.00006; gnomAD exomes below 0.00001 and 0.00001; ESP Exome Variant Server 0.00023; 1000 Genomes Project 30x 0.00031; ExAC 0.00002; 1000 Genomes Project 0.00040.
gnomAD v4.1: 10 of 1,612,440 alleles (0.00062%); highest among the groups gnomAD compares: African/African-American, 0.013%; no homozygotes.

Submissions (8):

PreventionGenetics, part of Exact Sciences
Classification: Uncertain significance for DSP-related condition. Last evaluated: 2026-09-18. Review status: criteria provided, single submitter. Criteria: ACMG Guidelines, 2015. Collection method: clinical testing. Allele origin: germline.
Comment: The DSP c.596G>A variant is predicted to result in the amino acid substitution p.Arg199Lys. This variant has been reported as a variant of uncertain significance in a cohort of individuals referred for genetic testing of cardiomyopathy and/or arrhythmia; however, detailed clinical information was not available (Supplement 2, Dellefave-Castillo et al. 2022. PubMed ID: 35947370). This variant is reported in 0.016% of alleles in individuals of African descent in gnomAD. At this time, the clinical significance of this variant is uncertain due to the absence of conclusive functional and genetic evidence.

GeneDx
Classification: Uncertain significance. Last evaluated: 2026-06-01. Review status: criteria provided, single submitter. Criteria: GeneDx Variant Classification Process June 2021. Collection method: clinical testing. Allele origin: germline.
Comment: Not observed at significant frequency in large population cohorts (gnomAD); In silico analysis suggests that this missense variant does not alter protein structure/function; Has not been previously published as pathogenic or benign to our knowledge

Labcorp Genetics (formerly Invitae), Labcorp
Classification: Uncertain significance for Arrhythmogenic cardiomyopathy with wooly hair and keratoderma; Arrhythmogenic right ventricular dysplasia 8. Last evaluated: 2026-01-07. Review status: criteria provided, single submitter. Criteria: Invitae Variant Classification Sherloc (09022015). Collection method: clinical testing. Allele origin: germline.
Comment: This sequence change replaces arginine, which is basic and polar, with lysine, which is basic and polar, at codon 199 of the DSP protein (p.Arg199Lys). This variant is present in population databases (rs143648545, gnomAD 0.02%). This variant has not been reported in the literature in individuals affected with DSP-related conditions. ClinVar contains an entry for this variant (Variation ID: 504526). An algorithm developed to predict the effect of missense changes on protein structure and function (PolyPhen-2) suggests that this variant is likely to be tolerated. In summary, the available evidence is currently insufficient to determine the role of this variant in disease. Therefore, it has been classified as a Variant of Uncertain Significance.

Color Diagnostics, LLC DBA Color Health
Classification: Likely benign for Cardiomyopathy. Last evaluated: 2025-10-07. Review status: criteria provided, single submitter. Criteria: ACMG Guidelines, 2015. Collection method: clinical testing. Allele origin: germline.

Molecular Diagnostic Laboratory for Inherited Cardiovascular Disease, Montreal Heart Institute
Classification: Uncertain significance for Cardiovascular phenotype. Last evaluated: 2025-02-17. Review status: criteria provided, single submitter. Criteria: ACMG Guidelines, 2015. Collection method: clinical testing. Allele origin: germline. Affected: yes.
Comment: BP4

Ambry Genetics
Classification: Uncertain significance for Cardiovascular phenotype. Last evaluated: 2024-07-17. Review status: criteria provided, single submitter. Criteria: Ambry Variant Classification Scheme 2023. Collection method: clinical testing. Allele origin: germline.
Comment: The p.R199K variant (also known as c.596G>A), located in coding exon 4 of the DSP gene, results from a G to A substitution at nucleotide position 596. The arginine at codon 199 is replaced by lysine, an amino acid with highly similar properties. This amino acid position is well conserved in available vertebrate species; however, lysine is the reference amino acid in other vertebrate species. In addition, this alteration is predicted to be tolerated by in silico analysis. Since supporting evidence is limited at this time, the clinical significance of this alteration remains unclear.

All of Us Research Program, National Institutes of Health
Classification: Uncertain significance for Arrhythmogenic cardiomyopathy with wooly hair and keratoderma. Last evaluated: 2024-02-05. Review status: criteria provided, single submitter. Criteria: ACMG Guidelines, 2015. Collection method: clinical testing. Allele origin: germline. Inheritance: Autosomal dominant inheritance. Observed: 2 variant alleles, 2 heterozygotes.
Comment: This missense variant replaces arginine with lysine at codon 199 of the DSP protein. Computational prediction suggests that this variant may not impact protein structure and function (internally defined REVEL score threshold <= 0.5, PMID: 27666373). To our knowledge, functional studies have not been reported for this variant. This variant has not been reported in individuals affected with cardiovascular disorders in the literature. This variant has been identified in 4/281652 chromosomes in the general population by the Genome Aggregation Database (gnomAD). The available evidence is insufficient to determine the role of this variant in disease conclusively. Therefore, this variant is classified as a Variant of Uncertain Significance.

This study involves interpretation of variants in research participants for the purpose of population health screening. Participant phenotype was not available at the time of variant classification. Additional details can be found in publication PMID: 35346344, PMCID: PMC8962531

Laboratory for Molecular Medicine, Mass General Brigham Personalized Medicine
Classification: Uncertain significance. Last evaluated: 2017-03-03. Review status: criteria provided, single submitter. Criteria: LMM Criteria. Collection method: clinical testing. Allele origin: germline. Observed: 1 variant allele.
Comment: Variant classified as Uncertain Significance - Favor Benign. The p.Arg199Lys var iant in DSP has not been previously reported in individuals with cardiomyopathy, but has been identified in 3/10388 African chromosomes by the Exome Aggregation Consortium (ExAC; dbSNP rs143648545). Arginine (Arg) at position 199 is not conserved in evolutionarily distant species, with > 20 species carrying a lysine (Lys) at this position, raising the possibility tha t a change at this position may be tolerated. Additional computational predictio n tools suggest that the p.Arg199Lys variant may not impact the protein, though this information is not predictive enough to rule out pathogenicity. In summary, while the clinical significance of the p.Arg199Lys variant is uncertain, its pr esence in non-mammals suggests that it is more likely to be benign.